The following is an entry in ClinVar:

ClinVar aggregate classification (germline): Uncertain significance (1 of 4 stars; one submission).

Conditions:
Familial adenomatous polyposis 1 (FAP1). Also called: FAMILIAL ADENOMATOUS POLYPOSIS 1, ATTENUATED; POLYPOSIS, ADENOMATOUS INTESTINAL. Identifiers: MedGen C2713442, MONDO:0021056, OMIM 175100. Disease mechanism: loss of function.

Submission:

Labcorp Genetics (formerly Invitae), Labcorp
Classification: Uncertain significance for Familial adenomatous polyposis 1. Last evaluated: 2020-12-02. Review status: criteria provided, single submitter. Criteria: Invitae Variant Classification Sherloc (09022015). Collection method: clinical testing. Allele origin: germline.
Comment: In summary, the available evidence is currently insufficient to determine the role of this variant in disease. Therefore, it has been classified as a Variant of Uncertain Significance. Algorithms developed to predict the effect of missense changes on protein structure and function (SIFT, PolyPhen-2, Align-GVGD) all suggest that this variant is likely to be disruptive, but these predictions have not been confirmed by published functional studies and their clinical significance is uncertain. This variant has not been reported in the literature in individuals with APC-related conditions. This variant is not present in population databases (ExAC no frequency). This sequence change replaces tyrosine with cysteine at codon 1262 of the APC protein (p.Tyr1262Cys). The tyrosine residue is highly conserved and there is a large physicochemical difference between tyrosine and cysteine.

NM_000038.6(APC):c.3785A>G (p.Tyr1262Cys)

Gene: APC (APC regulator of Wnt signaling pathway; plus strand). Cytogenetic location: 5q22.2.
Variant type: single nucleotide variant.
Coding change: c.3785A>G on transcript NM_000038.6 (MANE Select); coding-DNA position 3785, A replaced by G.
Protein change: p.Tyr1262Cys; replaces tyrosine 1262 with cysteine.
Molecular consequence: missense variant.
Genome position (GRCh38, 1-based): chr5:112,839,379, A>G. VCF-style: chr5-112839379-A-G. GRCh37 (hg19) VCF-style: chr5-112175076-A-G.
Other names: c.3785A>G, p.Tyr1262Cys (NM_001127510.3, NM_001354895.2); c.3731A>G, p.Tyr1244Cys (NM_001127511.3); c.3839A>G, p.Tyr1280Cys (NM_001354896.2); c.3815A>G, p.Tyr1272Cys (NM_001354897.2); c.3710A>G, p.Tyr1237Cys (NM_001354898.2); c.3701A>G, p.Tyr1234Cys (NM_001354899.2); c.3662A>G, p.Tyr1221Cys (NM_001354900.2); c.3608A>G, p.Tyr1203Cys (NM_001354901.2); and 5 more; short protein forms Y1234C, Y1272C, Y1102C, Y1161C, Y1237C, Y1244C, Y1221C, Y1262C.
Identifiers: ClinVar variation 1350945 (VCV001350945.8), dbSNP rs2149898951, ClinGen allele CA16029633.
Genomic context (GRCh38, chr5:112,839,379, plus strand): 5'-AGCCTCAAAAGGCTGCCACTTGCAAAGTTTCTTCTATTAACCAAGAAACAATACAGACTT[A>G]TTGTGTAGAAGATACTCCAATATGTTTTTCAAGATGTAGTTCATTATCATCTTTGTCATC-3'
Protein context (NP_000029.2, residues 1252-1272): SSINQETIQT[Tyr1262Cys]CVEDTPICFS